The following is an entry in ClinVar:

NM_001195263.2(PDZD7):c.2306G>A (p.Arg769Gln)

Gene: PDZD7 (PDZ domain containing 7; minus strand). Cytogenetic location: 10q24.31.
Variant type: single nucleotide variant.
Coding change: c.2306G>A on transcript NM_001195263.2 (MANE Select); coding-DNA position 2306, G replaced by A.
Protein change: p.Arg769Gln; replaces arginine 769 with glutamine.
Molecular consequence: missense variant.
Genome position (GRCh38, 1-based): chr10:101,010,583, C>T on the plus strand (G>A on the coding strand, the complement: PDZD7 is on the minus strand). VCF-style: chr10-101010583-C-T. GRCh37 (hg19) VCF-style: chr10-102770340-C-T.
Other names: short protein forms R769Q.
Identifiers: ClinVar variation 1056699 (VCV001056699.9), dbSNP rs1234647923, ClinGen allele CA378224628.

ClinVar aggregate classification (germline): Uncertain significance (1 of 4 stars; one submission).

Allele frequency attached by ClinVar (database versions not stated): TOPMed below 0.00001; gnomAD 0.00001; gnomAD exomes 0.00001.
gnomAD v4.1: 14 of 1,514,258 alleles (0.00092%); highest among the groups gnomAD compares: Admixed American, 0.002%; no homozygotes.

Submission:

Labcorp Genetics (formerly Invitae), Labcorp
Classification: Uncertain significance. Last evaluated: 2021-01-18. Review status: criteria provided, single submitter. Criteria: Invitae Variant Classification Sherloc (09022015). Collection method: clinical testing. Allele origin: germline.
Comment: Algorithms developed to predict the effect of missense changes on protein structure and function output the following: SIFT: "Not Available"; PolyPhen-2: "Not Available"; Align-GVGD: "Class C0". The glutamine amino acid residue is found in multiple mammalian species, suggesting that this missense change does not adversely affect protein function. These predictions have not been confirmed by published functional studies and their clinical significance is uncertain. In summary, the available evidence is currently insufficient to determine the role of this variant in disease. Therefore, it has been classified as a Variant of Uncertain Significance. This variant has not been reported in the literature in individuals with PDZD7-related conditions. The frequency data for this variant in the population databases is considered unreliable, as metrics indicate insufficient coverage at this position in the ExAC database. This sequence change replaces arginine with glutamine at codon 769 of the PDZD7 protein (p.Arg769Gln). The arginine residue is weakly conserved and there is a small physicochemical difference between arginine and glutamine.